The following is an entry in ClinVar:

NM_080473.5(GATA5):c.70C>T (p.His24Tyr)

Gene: GATA5 (GATA binding protein 5; minus strand). Cytogenetic location: 20q13.33.
Variant type: single nucleotide variant.
Coding change: c.70C>T on transcript NM_080473.5 (MANE Select); coding-DNA position 70, C replaced by T.
Protein change: p.His24Tyr; replaces histidine 24 with tyrosine.
Molecular consequence: missense variant.
Genome position (GRCh38, 1-based): chr20:62,475,452, G>A on the plus strand (C>T on the coding strand, the complement: GATA5 is on the minus strand). VCF-style: chr20-62475452-G-A. GRCh37 (hg19) VCF-style: chr20-61050508-G-A.
Other names: short protein forms H24Y.
Identifiers: ClinVar variation 2733046 (VCV002733046.3), dbSNP rs1382123738, ClinGen allele CA409557941.

ClinVar aggregate classification (germline): Uncertain significance (1 of 4 stars; one submission).

Allele frequency attached by ClinVar (database versions not stated): TOPMed below 0.00001; gnomAD 0.00001.

Submission:

Labcorp Genetics (formerly Invitae), Labcorp
Classification: Uncertain significance. Last evaluated: 2024-04-13. Review status: criteria provided, single submitter. Criteria: Invitae Variant Classification Sherloc (09022015). Collection method: clinical testing. Allele origin: germline.
Comment: This sequence change replaces histidine, which is basic and polar, with tyrosine, which is neutral and polar, at codon 24 of the GATA5 protein (p.His24Tyr). This variant is present in population databases (no rsID available, gnomAD 0.03%). This variant has not been reported in the literature in individuals affected with GATA5-related conditions. An algorithm developed to predict the effect of missense changes on protein structure and function (PolyPhen-2) suggests that this variant is likely to be disruptive. In summary, the available evidence is currently insufficient to determine the role of this variant in disease. Therefore, it has been classified as a Variant of Uncertain Significance.